The following is an entry in ClinVar:

NM_014423.4(AFF4):c.963+10_963+11del

Gene: AFF4 (ALF transcription elongation factor 4; minus strand). Cytogenetic location: 5q31.1.
Variant type: Deletion.
Coding change: c.963+10_963+11del on transcript NM_014423.4 (MANE Select); bases 10 to 11 of the intron after coding-DNA position 963, 2 bases deleted (TT; older notation c.963+10_963+11delTT).
Molecular consequence: intron variant.
Genome position (GRCh38, 1-based): chr5:132,932,167-132,932,168, AA deleted on the plus strand (TT on the coding strand, the reverse complement: AFF4 is on the minus strand); deleting any 2 consecutive bases within chr5:132,932,167-132,932,172 gives the same sequence; the c. name uses the placement nearest the transcript's 3' end. VCF-style (leftmost placement, unchanged base first): chr5-132932166-TAA-T. GRCh37 (hg19) VCF-style: chr5-132267858-TAA-T.
Identifiers: ClinVar variation 711228 (VCV000711228.6), dbSNP rs200054068, ClinGen allele CA3409315.

ClinVar aggregate classification (germline): Likely benign. Review status: criteria provided, multiple submitters, no conflicts (2 of 4 stars). 3 submissions from 3 submitters: Likely benign (2). 1 of the submissions does not count toward it. Last evaluated 2024-11-21.

Conditions:
AFF4-related disorder. Also called: AFF4-related condition.

Submissions (3):

Blueprint Genetics
Classification: Likely benign. Last evaluated: 2024-11-21. Review status: criteria provided, single submitter. Criteria: ACMG Guidelines, 2015. Collection method: clinical testing. Allele origin: germline.

Labcorp Genetics (formerly Invitae), Labcorp
Classification: Likely benign. Last evaluated: 2018-02-09. Review status: criteria provided, single submitter. Criteria: Invitae Variant Classification Sherloc (09022015). Collection method: clinical testing. Allele origin: germline.

PreventionGenetics, part of Exact Sciences
Classification: Likely benign for AFF4-related condition. Last evaluated: 2021-09-03. Review status: no assertion criteria provided. Collection method: clinical testing. Allele origin: germline. Not counted in ClinVar's aggregate classification.
Comment: This variant is classified as likely benign based on ACMG/AMP sequence variant interpretation guidelines (Richards et al. 2015 PMID: 25741868, with internal and published modifications).